The following continues an entry in ClinVar:

NM_007294.4(BRCA1):c.4184A>G (p.Gln1395Arg)

Gene: BRCA1. ClinVar aggregate classification (germline): Conflicting classifications of pathogenicity. Uncertain significance (7); Likely benign (1).

Submissions 7 to 10 of 10:

Women's Health and Genetics/Laboratory Corporation of America, LabCorp
Classification: Uncertain significance. Last evaluated: 2022-10-11. Review status: criteria provided, single submitter. Criteria: LabCorp Variant Classification Summary - May 2015. Collection method: clinical testing. Allele origin: germline.
Comment: Variant summary: BRCA1 c.4184A>G (p.Gln1395Arg) results in a conservative amino acid change in the encoded protein sequence. Four of five in-silico tools predict a benign effect of the variant on protein function. The variant alters a conserved nucleotide located in the exonic-splice region close to the the adjacent intronic splice donor site, 4/4 computational tools predict no significant impact on normal splicing. Although a slight weakening of the canonical 5' splicing donor site is predicted, to our knowledge, these observations have not been confirmed by published functional studies. This variant is also known as 4303A>G (legacy name). The variant was absent in 242736 control chromosomes (gnomAD). c.4184A>G has been reported in the literature in individuals affected with Hereditary Breast And Ovarian Cancer without evidence for causality (example, Haffty_2009, Judkins_2005). These reports do not provide unequivocal conclusions about association of the variant with Hereditary Breast And Ovarian Cancer Syndrome. Two publications report experimental evidence evaluating an impact on protein function. Woods_2016, assessed the transcriptional activation in the presence of the variant, which was found to be about 70% of wild type activity. Then, authors assessed transcriptional activation in the presence of a PALB2 fusion protein and also found the variant to decrease transcriptional activation. More recently, Foo_2021, demonstrated that this variant causes reduced homologous recombination (HR)mediated repair of DNA double-strand breaks (DSB), increased single-strand annealing (SSA), and reduced cellular resistance to DNA damaging agents. The authors concluded that this variant has functional defects and may potentially increase cancer risk or affect prognosis. Three clinical diagnostic laboratories have submitted clinical-significance assessments for this variant to ClinVar after 2014 and classified the variant VUS (n=2) and likely benign (n=1). Some submitters cite overlapping, but not identical evidence utilized in the context of this evaluation. Based on the emerging functional evidence outlined above, the variant was classified as VUS-possibly pathogenic.

GeneDx
Classification: Uncertain significance. Last evaluated: 2020-01-15. Review status: criteria provided, single submitter. Criteria: GeneDx Variant Classification Process June 2021. Collection method: clinical testing. Allele origin: germline. Affected: yes.
Comment: Observed in at least one patient with early onset breast cancer (Haffty 2009); Published functional studies demonstrate no damaging effect: transcriptional activation similar to wild type (Woods 2016); Not observed in large population cohorts (Lek 2016); In silico analysis, which includes protein predictors and evolutionary conservation, supports a deleterious effect; Also known as 4303A>G; This variant is associated with the following publications: (PMID: 16267036, 19491284, 21523855, 23704879, 28781887)

Sharing Clinical Reports Project (SCRP)
Classification: Likely benign for Breast-ovarian cancer, familial 1. Last evaluated: 2012-01-10. Review status: no assertion criteria provided. Collection method: clinical testing. Allele origin: germline. Not counted in ClinVar's aggregate classification.

Breast Cancer Information Core (BIC) (BRCA1)
Classification: Uncertain significance for Breast-ovarian cancer, familial 1. Last evaluated: 2004-11-25. Review status: no assertion criteria provided. Collection method: clinical testing. Allele origin: germline. Affected: yes. Observed: 1 variant allele. Not counted in ClinVar's aggregate classification.

Literature cited by the submitters: PubMed 16267036 (cited by Ambry Genetics and Women's Health and Genetics/Laboratory Corporation of America, LabCorp); PubMed 19491284 (cited by 4 submitters); PubMed 23704879 (cited by Ambry Genetics and Women's Health and Genetics/Laboratory Corporation of America, LabCorp); PubMed 28781887 (cited by 4 submitters); PubMed 30765603 (cited by 3 submitters); PubMed 31131967 (cited by All of Us Research Program, National Institutes of Health and Color Diagnostics, LLC DBA Color Health); PubMed 31853058 (cited by All of Us Research Program, National Institutes of Health and Color Diagnostics, LLC DBA Color Health); PubMed 32377563 (cited by All of Us Research Program, National Institutes of Health and Color Diagnostics, LLC DBA Color Health); PubMed 34301763 (cited by 3 submitters).